The following is an entry in ClinVar:

NM_020366.4(RPGRIP1):c.2440C>T (p.Arg814Ter)

Gene: RPGRIP1 (RPGR interacting protein 1; plus strand). Cytogenetic location: 14q11.2.
Variant type: single nucleotide variant.
Coding change: c.2440C>T on transcript NM_020366.4 (MANE Select); coding-DNA position 2440, C replaced by T.
Protein change: p.Arg814Ter; replaces arginine 814 with a stop codon.
Molecular consequence: nonsense. On other transcripts: intron variant (4).
Genome position (GRCh38, 1-based): chr14:21,325,903, C>T. VCF-style: chr14-21325903-C-T. GRCh37 (hg19) VCF-style: chr14-21794062-C-T.
Other names: c.1366C>T, p.Arg456Ter (NM_001377948.1); c.796+1178C>T (NM_001377949.1); c.689-1720C>T (NM_001377523.1, NM_001377950.1); c.191-1720C>T (NM_001377951.1); short protein forms R814*, R456*.
Identifiers: ClinVar variation 585296 (VCV000585296.10), dbSNP rs759940113, ClinGen allele CA7089262.

ClinVar aggregate classification (germline): Pathogenic. Review status: criteria provided, multiple submitters, no conflicts (2 of 4 stars). 9 submissions from 8 submitters: Pathogenic (7). 2 of the submissions do not count toward it. Last evaluated 2023-07-17.

Conditions:
Cone-rod dystrophy 13 (CORD13). Identifiers: Orphanet 1872, MedGen C2750720, MONDO:0011987, OMIM 608194.
Leber congenital amaurosis 6 (LCA6). Identifiers: Orphanet 65, MedGen C1854260, MONDO:0013446, OMIM 613826.
RPGRIP1-related disorder. Also called: RPGRIP1-related condition.
Leber congenital amaurosis (LCA). Also called: Leber's amaurosis. Identifiers: Orphanet 65, MedGen C0339527, MeSH D057130, MONDO:0018998.

Allele frequency attached by ClinVar (database versions not stated): ExAC 0.00001; gnomAD exomes 0.00001 and 0.00002.
gnomAD v4.1: 33 of 1,613,822 alleles (0.002%); highest among the groups gnomAD compares: Non-Finnish European, 0.0026%; no homozygotes.

Submissions (9):

Blueprint Genetics
Classification: Pathogenic for RPGRIP1-related disorders. Last evaluated: 2023-07-17. Review status: criteria provided, single submitter. Criteria: ACMG Guidelines, 2015. Collection method: clinical testing. Allele origin: germline. Affected: yes. Observed: 5 variant alleles.

Department of Pathology and Laboratory Medicine, Sinai Health System
Classification: Pathogenic for Leber congenital amaurosis 6; Cone-rod dystrophy 13. Last evaluated: 2023-07-17. Review status: criteria provided, single submitter. Criteria: ACMG Guidelines, 2015. Collection method: research. Allele origin: germline.

Genome-Nilou Lab
Classification: Pathogenic for Leber congenital amaurosis 6. Last evaluated: 2021-11-07. Review status: criteria provided, single submitter. Criteria: ACMG Guidelines, 2015. Collection method: clinical testing. Allele origin: germline. Affected: no.

Genome-Nilou Lab
Classification: Pathogenic for Cone-rod dystrophy 13. Last evaluated: 2021-11-07. Review status: criteria provided, single submitter. Criteria: ACMG Guidelines, 2015. Collection method: clinical testing. Allele origin: germline. Affected: no.

Fulgent Genetics
Classification: Pathogenic for Cone-rod dystrophy 13; Leber congenital amaurosis 6. Last evaluated: 2018-10-31. Review status: criteria provided, single submitter. Criteria: ACMG Guidelines, 2015. Collection method: clinical testing. Allele origin: unknown.

Molecular Genetics Laboratory, Institute for Ophthalmic Research
Classification: Pathogenic for Leber congenital amaurosis 6. Last evaluated: 2018-08-21. Review status: criteria provided, single submitter. Criteria: ACMG Guidelines, 2015. Collection method: research. Allele origin: germline. Affected: yes.

Center of Genomic medicine, Geneva, University Hospital of Geneva
Classification: Pathogenic for Leber congenital amaurosis. Last evaluated: 2018-04-13. Review status: criteria provided, single submitter. Criteria: ACMG Guidelines, 2015. Collection method: clinical testing. Allele origin: maternal. Affected: yes. Observed: 2 variant alleles.

Clinical Genetics DNA and cytogenetics Diagnostics Lab, Erasmus MC, Erasmus Medical Center
Classification: Pathogenic. Review status: no assertion criteria provided. Collection method: clinical testing. Allele origin: germline. Affected: yes. Study: VKGL Data-share Consensus. Not counted in ClinVar's aggregate classification.

Joint Genome Diagnostic Labs from Nijmegen and Maastricht, Radboudumc and MUMC+
Classification: Pathogenic. Review status: no assertion criteria provided. Collection method: clinical testing. Allele origin: germline. Affected: yes. Study: VKGL Data-share Consensus. Not counted in ClinVar's aggregate classification.

Literature cited by the submitters: PubMed 30576320 (cited by Molecular Genetics Laboratory, Institute for Ophthalmic Research).